The following is an entry in ClinVar:

ClinVar aggregate classification (germline): Uncertain significance (1 of 4 stars; one submission).

Conditions:
Hereditary cancer-predisposing syndrome. Also called: Neoplastic Syndromes, Hereditary; Tumor predisposition; Hereditary neoplastic syndrome; Hereditary Cancer Syndrome. Identifiers: Orphanet 140162, MedGen C0027672, MeSH D009386, MONDO:0015356.

Submission:

Ambry Genetics
Classification: Uncertain significance for Hereditary cancer-predisposing syndrome. Last evaluated: 2025-07-17. Review status: criteria provided, single submitter. Criteria: Ambry Variant Classification Scheme 2023. Collection method: clinical testing. Allele origin: germline.
Comment: The p.V20M variant (also known as c.58G>A), located in coding exon 1 of the CDKN2A (p14ARF) gene, results from a G to A substitution at nucleotide position 58. The valine at codon 20 is replaced by methionine, an amino acid with highly similar properties. This amino acid position is well conserved in available vertebrate species. Based on the available evidence, the clinical significance of this variant remains unclear.

NM_058195.4(CDKN2A):c.58G>A (p.Val20Met)

Gene: CDKN2A (cyclin dependent kinase inhibitor 2A; minus strand). Cytogenetic location: 9p21.3.
Variant type: single nucleotide variant.
Coding change: c.58G>A on transcript NM_058195.4 (MANE Plus Clinical); coding-DNA position 58, G replaced by A.
Protein change: p.Val20Met; replaces valine 20 with methionine.
Molecular consequence: missense variant. On other transcripts: intron variant (1).
Genome position (GRCh38, 1-based): chr9:21,994,274, C>T on the plus strand (G>A on the coding strand, the complement: CDKN2A is on the minus strand). VCF-style: chr9-21994274-C-T. GRCh37 (hg19) VCF-style: chr9-21994273-C-T.
Other names: c.-4+547G>A (NM_001363763.2); short protein forms V20M.
Identifiers: ClinVar variation 4224773 (VCV004224773.1).